The following is an entry in ClinVar:

ClinVar aggregate classification (germline): Uncertain significance. Review status: criteria provided, multiple submitters, no conflicts (2 of 4 stars). 2 submissions from 2 submitters: Uncertain significance (2). Last evaluated 2023-06-22.

gnomAD v4.1: 3 of 1,611,162 alleles (0.00019%); highest among the groups gnomAD compares: Admixed American, 0.0017%; no homozygotes.

Submissions (2):

GeneDx
Classification: Uncertain significance. Last evaluated: 2023-06-22. Review status: criteria provided, single submitter. Criteria: GeneDx Variant Classification Process June 2021. Collection method: clinical testing. Allele origin: germline. Affected: yes.
Comment: Not observed at significant frequency in large population cohorts (gnomAD); In silico analysis supports that this missense variant does not alter protein structure/function; Has not been previously published as pathogenic or benign to our knowledge

CeGaT Center for Human Genetics Tuebingen
Classification: Uncertain significance. Last evaluated: 2020-01-01. Review status: criteria provided, single submitter. Criteria: CeGaT Center For Human Genetics Tuebingen Variant Classification Criteria Version 2. Collection method: clinical testing. Allele origin: germline. Affected: yes. Observed: 1 variant allele.

NM_001009944.3(PKD1):c.5575G>A (p.Ala1859Thr)

Gene: PKD1 (polycystin 1, transient receptor potential channel interacting; minus strand). Cytogenetic location: 16p13.3.
Variant type: single nucleotide variant.
Coding change: c.5575G>A on transcript NM_001009944.3 (MANE Select); coding-DNA position 5575, G replaced by A.
Protein change: p.Ala1859Thr; replaces alanine 1859 with threonine.
Molecular consequence: missense variant.
Genome position (GRCh38, 1-based): chr16:2,109,592, C>T on the plus strand (G>A on the coding strand, the complement: PKD1 is on the minus strand). VCF-style: chr16-2109592-C-T. GRCh37 (hg19) VCF-style: chr16-2159593-C-T.
Other names: c.5575G>A, p.Ala1859Thr (NM_000296.4); c.5575G>A (NM_001009944.2); short protein forms A1859T.
Identifiers: ClinVar variation 872312 (VCV000872312.42), dbSNP rs773158555, ClinGen allele CA394376300.
Genomic context (GRCh38, chr16:2,109,592, plus strand): 5'-ACGTGGCTGAGACCCAGCTGACTGCGTTGGAGGCATTGAGCCGGATGGAGAAGGTGCCAG[C>T]ATCCGGGAAGACCATGGTGACATGAGGGCCACGCTTGCTGCTGCCGCCGGGCACAGCCCA-3'
Protein context (NP_001009944.3, residues 1849-1869): GPHVTMVFPD[Ala1859Thr]GTFSIRLNAS